The following is an entry in ClinVar:

ClinVar aggregate classification (germline): Uncertain significance (1 of 4 stars; one submission).

Conditions:
Long QT syndrome 1 (LQT1). Identifiers: Orphanet 101016, Orphanet 768, MedGen C4551647, MONDO:0100316, OMIM 192500, MONDO:0008646.

Submission:

3billion
Classification: Uncertain significance for Long QT syndrome 1. Last evaluated: 2025-05-20. Review status: criteria provided, single submitter. Criteria: ACMG Guidelines, 2015. Collection method: clinical testing. Allele origin: germline. Affected: yes.
Comment: The variant is not observed in the gnomAD v4.1.0 dataset. Predicted Consequence/Location: Missense variant In silico tool predictions suggest damaging effect of the variant on gene or gene product [REVEL: 0.64 (>=0.6, sensitivity 0.68 and specificity 0.92); 3Cnet: 0.06 (> 0.75, sensitivity 0.96 and precision 0.92)]. Therefore, this variant is classified as VUS according to the recommendation of ACMG/AMP guideline.

NM_000218.3(KCNQ1):c.1262A>G (p.Lys421Arg)

Gene: KCNQ1 (potassium voltage-gated channel subfamily Q member 1; plus strand). Cytogenetic location: 11p15.5.
Variant type: single nucleotide variant.
Coding change: c.1262A>G on transcript NM_000218.3 (MANE Select); coding-DNA position 1262, A replaced by G.
Protein change: p.Lys421Arg; replaces lysine 421 with arginine.
Molecular consequence: missense variant.
Genome position (GRCh38, 1-based): chr11:2,588,723, A>G. VCF-style: chr11-2588723-A-G. GRCh37 (hg19) VCF-style: chr11-2609953-A-G.
Other names: c.1166A>G, p.Lys389Arg (NM_001406836.1); c.992A>G, p.Lys331Arg (NM_001406837.1); c.722A>G, p.Lys241Arg (NM_001406838.1); c.881A>G, p.Lys294Arg (NM_181798.2); short protein forms K241R, K294R, K331R, K389R, K421R.
Identifiers: ClinVar variation 4854089 (VCV004854089.1).